The following is an entry in ClinVar:

NM_152490.5(B3GALNT2):c.842-4A>G

Gene: B3GALNT2 (beta-1,3-N-acetylgalactosaminyltransferase 2; minus strand). Cytogenetic location: 1q42.3.
Variant type: single nucleotide variant.
Coding change: c.842-4A>G on transcript NM_152490.5 (MANE Select); 4 bases into the intron before coding-DNA position 842, A replaced by G.
Molecular consequence: intron variant.
Genome position (GRCh38, 1-based): chr1:235,458,790, T>C on the plus strand (A>G on the coding strand, the complement: B3GALNT2 is on the minus strand). VCF-style: chr1-235458790-T-C. GRCh37 (hg19) VCF-style: chr1-235622098-T-C.
Identifiers: ClinVar variation 540918 (VCV000540918.13), dbSNP rs750335648, ClinGen allele CA1464757.
Genomic context (GRCh38, chr1:235,458,790, plus strand): 5'-TATGATCAATAAGTCTTTGAGGGCGAGAATGAAGGTTGTGTAAGAGAGCATCACCTTCTA[T>C]AAAGGAAAAGTTGAGAGTTGGAGAAAAATGCTGTTGTAAAGTTACCATTCAGAACTGATG-3'

ClinVar aggregate classification (germline): Likely benign. Review status: criteria provided, single submitter (1 of 4 stars). 2 submissions from 2 submitters: Likely benign (1). 1 of the submissions does not count toward it. Last evaluated 2026-01-11.

Conditions:
Muscular dystrophy-dystroglycanopathy (congenital with brain and eye anomalies), type a, 11 (MDDGA11). Also called: Congenital muscular dystrophy-dystroglycanopathy with brain and eye anomalies, type A11; Muscular dystrophy-dystroglycanopathy (congenital with brain and eye anomalies, type A, 11; WALKER-WARBURG SYNDROME OR MUSCLE-EYE-BRAIN DISEASE, B3GALNT2-RELATED. Identifiers: Orphanet 588, Orphanet 899, MedGen C3554638, MONDO:0014071, OMIM 615181.
B3GALNT2-related disorder. Also called: B3GALNT2-related condition.

Allele frequency attached by ClinVar (database versions not stated): TOPMed 0.00003; gnomAD exomes 0.00006 and 0.00009; gnomAD 0.00001; ExAC 0.00006.
gnomAD v4.1: 132 of 1,572,630 alleles (0.0084%); highest among the groups gnomAD compares: Admixed American, 0.012%; no homozygotes.

Submissions (2):

Labcorp Genetics (formerly Invitae), Labcorp
Classification: Likely benign for Muscular dystrophy-dystroglycanopathy (congenital with brain and eye anomalies), type a, 11. Last evaluated: 2026-01-11. Review status: criteria provided, single submitter. Criteria: Invitae Variant Classification Sherloc (09022015). Collection method: clinical testing. Allele origin: germline.

PreventionGenetics, part of Exact Sciences
Classification: Likely benign for B3GALNT2-related condition. Last evaluated: 2021-08-16. Review status: no assertion criteria provided. Collection method: clinical testing. Allele origin: germline. Not counted in ClinVar's aggregate classification.
Comment: This variant is classified as likely benign based on ACMG/AMP sequence variant interpretation guidelines (Richards et al. 2015 PMID: 25741868, with internal and published modifications).